The following is an entry in ClinVar:

ClinVar aggregate classification (germline): Benign/Likely benign. Review status: criteria provided, multiple submitters, no conflicts (2 of 4 stars). 4 submissions from 4 submitters: Benign (1); Likely benign (3). Last evaluated 2026-01-18.

Conditions:
Creatine transporter deficiency (CCDS1). Also called: CEREBRAL CREATINE DEFICIENCY SYNDROME 1; Creatine Transporter (CRTR) Deficiency; Mental retardation , X-linked with seizures, short stature and midface hypoplasia; Mental retardation , X-linked, with creatine transport deficiency; X-linked creatine transporter deficiency; X-linked creatine deficiency syndrome. Identifiers: Orphanet 52503, MedGen C1845862, MONDO:0010305, OMIM 300352.

Submissions (4):

Labcorp Genetics (formerly Invitae), Labcorp
Classification: Benign for Creatine transporter deficiency. Last evaluated: 2026-01-18. Review status: criteria provided, single submitter. Criteria: Invitae Variant Classification Sherloc (09022015). Collection method: clinical testing. Allele origin: germline.

Blueprint Genetics
Classification: Likely benign. Last evaluated: 2024-05-13. Review status: criteria provided, single submitter. Criteria: ACMG Guidelines, 2015. Collection method: clinical testing. Allele origin: germline.

Fulgent Genetics
Classification: Likely benign for Creatine transporter deficiency. Last evaluated: 2022-01-06. Review status: criteria provided, single submitter. Criteria: ACMG Guidelines, 2015. Collection method: clinical testing. Allele origin: unknown.

GeneDx
Classification: Likely benign. Last evaluated: 2017-08-11. Review status: criteria provided, single submitter. Criteria: GeneDx Variant Classification (06012015). Collection method: clinical testing. Allele origin: germline. Affected: yes.
Comment: This variant is considered likely benign or benign based on one or more of the following criteria: it is a conservative change, it occurs at a poorly conserved position in the protein, it is predicted to be benign by multiple in silico algorithms, and/or has population frequency not consistent with disease.

NM_005629.4(SLC6A8):c.1392+17dup

Gene: SLC6A8 (solute carrier family 6 member 8; plus strand). Cytogenetic location: Xq28.
Variant type: Duplication.
Coding change: c.1392+17dup on transcript NM_005629.4 (MANE Select); 17 bases into the intron after coding-DNA position 1392, one base duplicated (G; older notation c.1392+17dupG).
Molecular consequence: intron variant.
Genome position (GRCh38, 1-based): chrX:153,694,284, G duplicated; the last of 6 consecutive G bases (chrX:153,694,279-153,694,284); duplicating any one gives the same sequence. VCF-style (leftmost placement, unchanged base first): chrX-153694278-T-TG. GRCh37 (hg19) VCF-style: chrX-152959733-T-TG.
Other names: c.1392+17dupG (NM_005629.3); c.1362+17dup (NM_001142805.2); c.1047+17dup (NM_001142806.1).
Identifiers: ClinVar variation 511339 (VCV000511339.10), dbSNP rs781964988, ClinGen allele CA10549496.
Genomic context (GRCh38, chrX:153,694,278, plus strand): 5'-CCCTCTGTTGTGCCCTCTGCTTTGTCATCGATCTCTCCATGGTGACTGATGTGAGTGGGG[T>TG]GGGGGGTCTGCCTGTGACCTCTGGTGGCCGTCTGCCATCCTCCCTGACTGGGCTCTGTCC-3'